The following is an entry in ClinVar:

ClinVar aggregate classification (germline): Likely benign (1 of 4 stars; one submission).

Submission:

GeneDx
Classification: Likely benign. Last evaluated: 2018-04-19. Review status: criteria provided, single submitter. Criteria: GeneDx Variant Classification (06012015). Collection method: clinical testing. Allele origin: germline. Affected: yes.
Comment: This variant is considered likely benign or benign based on one or more of the following criteria: it is a conservative change, it occurs at a poorly conserved position in the protein, it is predicted to be benign by multiple in silico algorithms, and/or has population frequency not consistent with disease.

NM_006031.6(PCNT):c.-15C>G

Genes: PCNT (pericentrin; plus strand), LOC130066875 (ATAC-STARR-seq lymphoblastoid silent region 13419; plus strand). Cytogenetic location: 21q22.3.
Variant type: single nucleotide variant.
Coding change: c.-15C>G on transcript NM_006031.6 (MANE Select); 15 bases upstream of the start codon, C replaced by G.
Molecular consequence: 5 prime UTR variant.
Genome position (GRCh38, 1-based): chr21:46,324,214, C>G. VCF-style: chr21-46324214-C-G. GRCh37 (hg19) VCF-style: chr21-47744128-C-G.
Identifiers: ClinVar variation 669290 (VCV000669290.1), dbSNP rs1601722698, ClinGen allele CA915953116.